The following is an entry in ClinVar:

ClinVar aggregate classification (germline): Likely benign. Review status: criteria provided, multiple submitters, no conflicts (2 of 4 stars). 2 submissions from 2 submitters: Likely benign (2). Last evaluated 2025-05-13.

Conditions:
Hereditary cancer. Identifiers: MedGen C1333600.
RAD51-related disorder. Also called: RAD51-related disorders; RAD51-related condition.

Submissions (2):

PreventionGenetics, part of Exact Sciences
Classification: Likely benign for RAD51-related condition. Last evaluated: 2025-05-13. Review status: criteria provided, single submitter. Criteria: ACMG Guidelines, 2015. Collection method: clinical testing. Allele origin: germline.
Comment: This variant is classified as likely benign based on ACMG/AMP sequence variant interpretation guidelines (Richards et al. 2015 PMID: 25741868, with internal and published modifications).

Mendelics
Classification: Likely benign for Hereditary cancer. Last evaluated: 2024-01-23. Review status: criteria provided, single submitter. Criteria: ACMG Guidelines, 2015. Collection method: clinical testing. Allele origin: unknown.

NM_002875.5(RAD51):c.1dup (p.Met1fs)

Gene: RAD51 (RAD51 recombinase; plus strand). Cytogenetic location: 15q15.1.
Variant type: Duplication.
Coding change: c.1dup on transcript NM_002875.5 (MANE Select); coding-DNA position 1, one base duplicated (A; older notation c.1dupA).
Protein change: p.Met1fs; shifts the reading frame from methionine 1.
Molecular consequence: frameshift variant, initiator codon variant.
Genome position (GRCh38, 1-based): chr15:40,698,759, A duplicated; the last of 2 consecutive A bases (chr15:40,698,758-40,698,759); duplicating either gives the same sequence. VCF-style (leftmost placement, unchanged base first): chr15-40698757-T-TA. GRCh37 (hg19) VCF-style: chr15-40990955-T-TA.
Other names: c.1dupA (NM_001164269.1); c.1dup, p.Met1fs (NM_001164269.2, NM_001164270.2, NM_133487.4); short protein forms M1fs.
Identifiers: ClinVar variation 803070 (VCV000803070.4), dbSNP rs55714242, ClinGen allele CA7483897.